The following is an entry in ClinVar:

ClinVar aggregate classification (germline): Uncertain significance. Review status: criteria provided, single submitter (1 of 4 stars). 2 submissions from 2 submitters: Uncertain significance (1). 1 of the submissions does not count toward it. Last evaluated 2024-12-19.

Conditions:
Agenesis of the corpus callosum with peripheral neuropathy (ACCPN). Also called: CHARLEVOIX DISEASE; POLYNEUROPATHY, SENSORIMOTOR, WITH OR WITHOUT AGENESIS OF THE CORPUS CALLOSUM; HMSN/ACC; Hereditary Motor and Sensory Neuropathy with Agenesis of the Corpus Callosum. Identifiers: Orphanet 1496, MedGen C0795950, MONDO:0000902, OMIM 218000. Disease mechanism: loss of function.

Allele frequency attached by ClinVar (database versions not stated): gnomAD exomes below 0.00001 and 0.00002; ExAC 0.00001; gnomAD 0.00001; TOPMed 0.00001; ESP Exome Variant Server 0.00008.

Submissions (2):

GeneDx
Classification: Uncertain significance. Last evaluated: 2024-12-19. Review status: criteria provided, single submitter. Criteria: GeneDx Variant Classification Process June 2021. Collection method: clinical testing. Allele origin: germline. Affected: yes.
Comment: Not observed at significant frequency in large population cohorts (gnomAD); In silico analysis is inconclusive as to whether the variant alters gene splicing. In the absence of RNA/functional studies, the actual effect of this sequence change is unknown.; Has not been previously published as pathogenic or benign to our knowledge

Counsyl
Classification: Uncertain significance for Agenesis of the corpus callosum with peripheral neuropathy. Last evaluated: 2017-03-24. Review status: no assertion criteria provided. Collection method: clinical testing. Allele origin: unknown. Not counted in ClinVar's aggregate classification.

NM_001365088.1(SLC12A6):c.316+2dup

Gene: SLC12A6 (solute carrier family 12 member 6; minus strand). Cytogenetic location: 15q14.
Variant type: Duplication.
Coding change: c.316+2dup on transcript NM_001365088.1 (MANE Select); the canonical splice donor site of the intron after coding-DNA position 316, one base duplicated (T; older notation c.316+2dupT).
Molecular consequence: splice donor variant. On other transcripts: intron variant (1).
Genome position (GRCh38, 1-based): chr15:34,275,343, A duplicated on the plus strand (T on the coding strand, the reverse complement: SLC12A6 is on the minus strand). VCF-style (leftmost placement, unchanged base first): chr15-34275342-T-TA. GRCh37 (hg19) VCF-style: chr15-34567543-T-TA.
Other names: c.316+2dupT (NM_133647.1); c.139+2dup (NM_001042495.2, NM_001042494.2); c.289+2dup (NM_001042496.2); c.272-14323dup (NM_001042497.2); c.316+2dup (NM_133647.2); c.163+2dup (NM_005135.2).
Identifiers: ClinVar variation 551173 (VCV000551173.2), dbSNP rs778694021, ClinGen allele CA7464622.